The following is an entry in ClinVar:

NM_000368.5(TSC1):c.647T>C (p.Phe216Ser)

Gene: TSC1 (TSC complex subunit 1; minus strand). Cytogenetic location: 9q34.13.
Variant type: single nucleotide variant.
Coding change: c.647T>C on transcript NM_000368.5 (MANE Select); coding-DNA position 647, T replaced by C.
Protein change: p.Phe216Ser; replaces phenylalanine 216 with serine.
Molecular consequence: missense variant.
Genome position (GRCh38, 1-based): chr9:132,921,835, A>G on the plus strand (T>C on the coding strand, the complement: TSC1 is on the minus strand). VCF-style: chr9-132921835-A-G. GRCh37 (hg19) VCF-style: chr9-135797222-A-G.
Other names: c.647T>C, p.Phe216Ser (NM_001162426.2); c.494T>C, p.Phe165Ser (NM_001162427.2); c.284T>C, p.Phe95Ser (NM_001362177.2); short protein forms F216S, F165S, F95S.
Identifiers: ClinVar variation 49073 (VCV000049073.10), dbSNP rs118203416, ClinGen allele CA007933.
Genomic context (GRCh38, chr9:132,921,835, plus strand): 5'-AAACAGTATACTAAGTAGCAAACAAACAAGCAGTTTCAATTTACCTTGACCACTTCTTCA[A>G]AAGTCTCCAGGTTTTCTTTCATACTGTAATGAGAACGCAAAAAGGAGACGAAGTTGCAAG-3'
Protein context (NP_000359.1, residues 206-226): HYSMKENLET[Phe216Ser]EEVVKPMMEH

ClinVar aggregate classification (germline): Pathogenic/Likely pathogenic. Review status: criteria provided, multiple submitters, no conflicts (2 of 4 stars). 5 submissions from 5 submitters: Pathogenic (2); Likely pathogenic (2). 1 of the submissions does not count toward it. Last evaluated 2026-11-04.

Conditions:
TSC1-related disorder. Also called: TSC1-related condition.
Tuberous sclerosis syndrome (TSC). Also called: Tuberous Sclerosis Complex; Tuberous sclerosis. Identifiers: Orphanet 805, MedGen C0041341, MONDO:0001734.
Tuberous sclerosis 1 (TSC1). Identifiers: Orphanet 805, MedGen C1854465, MONDO:0008612, OMIM 191100.

Submissions (5):

Cambridge Genomics Laboratory, East Genomic Laboratory Hub, NHS Genomic Medicine Service
Classification: Likely pathogenic for Tuberous sclerosis. Last evaluated: 2026-11-04. Review status: criteria provided, single submitter. Criteria: ACGS Best Practice Guidelines for Variant Classification in Rare Disease 2020. Collection method: clinical testing. Allele origin: germline. Affected: yes.
Comment: PS3_Supporting,PS4_Supporting,PM2,PP3,PP4

Molecular Pathology, Peter Maccallum Cancer Centre
Classification: Likely pathogenic for Tuberous sclerosis 1. Last evaluated: 2025-05-22. Review status: criteria provided, single submitter. Criteria: ACMG Guidelines, 2015. Collection method: clinical testing. Allele origin: germline. Inheritance: Autosomal dominant inheritance.

Labcorp Genetics (formerly Invitae), Labcorp
Classification: Pathogenic for Tuberous sclerosis 1. Last evaluated: 2024-10-12. Review status: criteria provided, single submitter. Criteria: Invitae Variant Classification Sherloc (09022015). Collection method: clinical testing. Allele origin: germline.
Comment: This sequence change replaces phenylalanine, which is neutral and non-polar, with serine, which is neutral and polar, at codon 216 of the TSC1 protein (p.Phe216Ser). This variant is not present in population databases (gnomAD no frequency). This missense change has been observed in individual(s) with clinical features of tuberous sclerosis complex (PMID: 21309039, 22867869, 31377847; internal data). It has also been observed to segregate with disease in related individuals. ClinVar contains an entry for this variant (Variation ID: 49073). Invitae Evidence Modeling of protein sequence and biophysical properties (such as structural, functional, and spatial information, amino acid conservation, physicochemical variation, residue mobility, and thermodynamic stability) has been performed for this missense variant. However, the output from this modeling did not meet the statistical confidence thresholds required to predict the impact of this variant on TSC1 protein function. Experimental studies have shown that this missense change affects TSC1 function (PMID: 21309039). For these reasons, this variant has been classified as Pathogenic.

Blueprint Genetics
Classification: Pathogenic for TSC1-related disorders. Last evaluated: 2022-08-12. Review status: criteria provided, single submitter. Criteria: ACMG Guidelines, 2015. Collection method: clinical testing. Allele origin: germline. Affected: yes. Observed: 1 variant allele.

Tuberous sclerosis database (TSC1)
No classification provided. Condition: TSC. Review status: no classification provided. Criteria: Tuberous Sclerosis Database Assertion Criteria 2015. Collection method: curation. Allele origin: germline. Affected: yes. Not counted in ClinVar's aggregate classification.

Literature cited by the submitters: PubMed 21309039 (cited by Labcorp Genetics (formerly Invitae), Labcorp); PubMed 22867869 (cited by Labcorp Genetics (formerly Invitae), Labcorp); PubMed 31377847 (cited by Labcorp Genetics (formerly Invitae), Labcorp).